The following is an entry in ClinVar:

ClinVar aggregate classification (germline): Uncertain significance. Review status: criteria provided, multiple submitters, no conflicts (2 of 4 stars). 2 submissions from 2 submitters: Uncertain significance (2). Last evaluated 2025-06-12.

Allele frequency attached by ClinVar (database versions not stated): gnomAD exomes below 0.00001.
gnomAD v4.1: 2 of 1,613,672 alleles (0.00012%); highest among the groups gnomAD compares: Admixed American, 0.0017%; no homozygotes.

Submissions (2):

Ambry Genetics
Classification: Uncertain significance. Last evaluated: 2025-06-12. Review status: criteria provided, single submitter. Criteria: Ambry Variant Classification Scheme 2023. Collection method: clinical testing. Allele origin: germline.
Comment: The p.W652R variant (also known as c.1954T>C), located in coding exon 10 of the ATRIP gene, results from a T to C substitution at nucleotide position 1954. The tryptophan at codon 652 is replaced by arginine, an amino acid with dissimilar properties. This amino acid position is conserved. In addition, this alteration is predicted to be deleterious by in silico analysis. Based on the available evidence, the clinical significance of this variant remains unclear.

Labcorp Genetics (formerly Invitae), Labcorp
Classification: Uncertain significance. Last evaluated: 2024-01-14. Review status: criteria provided, single submitter. Criteria: Invitae Variant Classification Sherloc (09022015). Collection method: clinical testing. Allele origin: germline.
Comment: This sequence change replaces tryptophan, which is neutral and slightly polar, with arginine, which is basic and polar, at codon 652 of the ATRIP protein (p.Trp652Arg). This variant is not present in population databases (gnomAD no frequency). This variant has not been reported in the literature in individuals affected with ATRIP-related conditions. An algorithm developed to predict the effect of missense changes on protein structure and function (PolyPhen-2) suggests that this variant is likely to be disruptive. In summary, the available evidence is currently insufficient to determine the role of this variant in disease. Therefore, it has been classified as a Variant of Uncertain Significance.

NM_130384.3(ATRIP):c.1954T>C (p.Trp652Arg)

Genes: ATRIP (ATR interacting protein; plus strand), ATRIP-TREX1 (ATRIP-TREX1 readthrough; plus strand). Cytogenetic location: 3p21.31.
Variant type: single nucleotide variant.
Coding change: c.1954T>C on transcript NM_130384.3 (MANE Select); coding-DNA position 1954, T replaced by C.
Protein change: p.Trp652Arg; replaces tryptophan 652 with arginine.
Molecular consequence: missense variant. On other transcripts: non-coding transcript variant (1).
Genome position (GRCh38, 1-based): chr3:48,464,112, T>C. VCF-style: chr3-48464112-T-C. GRCh37 (hg19) VCF-style: chr3-48505511-T-C.
Other names: c.1573T>C, p.Trp525Arg (NM_001271022.2); c.1675T>C, p.Trp559Arg (NM_001271023.2); c.1954T>C, p.Trp652Arg (NM_032166.4); c.1954T>C (NM_130384.1); short protein forms W525R, W559R, W652R.
Identifiers: ClinVar variation 3007144 (VCV003007144.4), dbSNP rs1408570225, ClinGen allele CA352731165.